The following is an entry in ClinVar:

ClinVar aggregate classification (germline): Likely pathogenic (1 of 4 stars; one submission).

Conditions:
Deficiency of iodide peroxidase (TDH2A). Also called: HYPOTHYROIDISM, CONGENITAL, DUE TO DYSHORMONOGENESIS, 2A; IODIDE PEROXIDASE DEFICIENCY; THYROID HORMONOGENESIS, GENETIC DEFECT IN, 2A; THYROID PEROXIDASE DEFICIENCY; Thyroid dyshormonogenesis 2A. Identifiers: Orphanet 95716, MedGen C1291299, MONDO:0010133, OMIM 274500.

Submission:

Juno Genomics, Hangzhou Juno Genomics, Inc
Classification: Likely pathogenic for Deficiency of iodide peroxidase. Review status: criteria provided, single submitter. Criteria: ACMG Guidelines, 2015. Collection method: clinical testing. Allele origin: germline.
Comment: Absent from controls (or at extremely low frequency if recessive) in Genome Aggregation Database.;Null variant in a gene where loss of function (LOF) is a known mechanism of disease.

NM_001206744.2(TPO):c.2635A>T (p.Lys879Ter)

Genes: LALTOP (lung cancer associated lncRNA targeting TOP2A; minus strand), TPO (thyroid peroxidase; plus strand), LOC126806104 (CDK7 strongly-dependent group 2 enhancer GRCh37_chr2:1544276-1545475; plus strand). Cytogenetic location: 2p25.3.
Variant type: single nucleotide variant.
Coding change: c.2635A>T on transcript NM_001206744.2 (MANE Select); coding-DNA position 2635, A replaced by T.
Protein change: p.Lys879Ter; replaces lysine 879 with a stop codon.
Molecular consequence: nonsense.
Genome position (GRCh38, 1-based): chr2:1,540,610, A>T. VCF-style: chr2-1540610-A-T. GRCh37 (hg19) VCF-style: chr2-1544382-A-T.
Other names: c.2635A>T, p.Lys879Ter (NM_000547.6); c.2464A>T, p.Lys822Ter (NM_001206745.2, NM_175719.4); c.2503A>T, p.Lys835Ter (NM_175721.3); c.2116A>T, p.Lys706Ter (NM_175722.3); short protein forms K706*, K822*, K835*, K879*.
Identifiers: ClinVar variation 5019023 (VCV005019023.2).